The following is an entry in ClinVar:

ClinVar aggregate classification (germline): Likely pathogenic (1 of 4 stars; one submission).

Submission:

Labcorp Genetics (formerly Invitae), Labcorp
Classification: Likely pathogenic. Last evaluated: 2022-06-08. Review status: criteria provided, single submitter. Criteria: Invitae Variant Classification Sherloc (09022015). Collection method: clinical testing. Allele origin: germline.
Comment: This variant results in a copy number gain of the genomic region encompassing exon(s) 18-26 of the CNGB1 gene. While the exact position of this variant cannot be determined from the data, sub-genic copy number gains are generally in tandem (PMID: 25640679). This variant is predicted to be out-of-frame, and may result in an absent or disrupted protein product. Loss-of-function variants in CNGB1 are known to be pathogenic (PMID: 15557452, 24043777). This variant has not been reported in the literature in individuals affected with CNGB1-related conditions. In summary, the currently available evidence indicates that the variant is pathogenic, but additional data are needed to prove that conclusively. Therefore, this variant has been classified as Likely Pathogenic.

Literature cited by the submitters: PubMed 25640679; PubMed 15557452; PubMed 24043777.

NC_000016.9:g.(?_57938618)_(57957304_?)dup

Gene: CNGB1 (cyclic nucleotide gated channel subunit beta 1; minus strand). Cytogenetic location: 16q21.
Variant type: Duplication.
Identifiers: ClinVar variation 2424122 (VCV002424122.3).